The following is an entry in ClinVar:

NM_005422.4(TECTA):c.3851G>A (p.Arg1284His)

Genes: TBCEL-TECTA (TBCEL-TECTA readthrough; plus strand), TECTA (tectorin alpha; plus strand). Cytogenetic location: 11q23.3.
Variant type: single nucleotide variant.
Coding change: c.3851G>A on transcript NM_005422.4 (MANE Select); coding-DNA position 3851, G replaced by A.
Protein change: p.Arg1284His; replaces arginine 1284 with histidine.
Molecular consequence: missense variant.
Genome position (GRCh38, 1-based): chr11:121,145,862, G>A. VCF-style: chr11-121145862-G-A. GRCh37 (hg19) VCF-style: chr11-121016571-G-A.
Other names: c.3851G>A (NM_005422.2); c.4808G>A, p.Arg1603His (NM_001378761.1); short protein forms R1603H, R1284H.
Identifiers: ClinVar variation 2165251 (VCV002165251.6), dbSNP rs141717375, ClinGen allele CA6327300.

ClinVar aggregate classification (germline): Conflicting classifications of pathogenicity. Review status: criteria provided, conflicting classifications (1 of 4 stars). 3 submissions from 3 submitters: Uncertain significance (2); Likely benign (1). Last evaluated 2026-09-22.

Conditions:
TECTA-related disorder. Also called: TECTA-related condition.

Allele frequency attached by ClinVar (database versions not stated): ExAC 0.00010; gnomAD exomes 0.00010; ESP Exome Variant Server 0.00038.
gnomAD v4.1: 145 of 1,614,146 alleles (0.009%); highest among the groups gnomAD compares: Admixed American, 0.017%; no homozygotes.

Submissions (3):

PreventionGenetics, part of Exact Sciences
Classification: Uncertain significance for TECTA-related condition. Last evaluated: 2026-09-22. Review status: criteria provided, single submitter. Criteria: ACMG Guidelines, 2015. Collection method: clinical testing. Allele origin: germline.
Comment: The TECTA c.3851G>A variant is predicted to result in the amino acid substitution p.Arg1284His. To our knowledge, this variant has not been reported in the literature. An alternative variant at the same codon (p.Arg1284Cys) has been reported in the absence of a second TECTA variant in at least two individuals with hearing loss (Table S4, Moteki et al. 2015. PubMed ID: 26346818; Table 1, Yasukawa et al. 2019. PubMed ID: 31554319). This variant (p.Arg1284His) is reported in 0.028% of alleles in individuals of Latino descent in gnomAD. At this time, the clinical significance of this variant is uncertain due to the absence of conclusive functional and genetic evidence.

Blueprint Genetics
Classification: Uncertain significance. Last evaluated: 2024-08-14. Review status: criteria provided, single submitter. Criteria: ACMG Guidelines, 2015. Collection method: clinical testing. Allele origin: germline.

Labcorp Genetics (formerly Invitae), Labcorp
Classification: Likely benign. Last evaluated: 2023-02-16. Review status: criteria provided, single submitter. Criteria: Invitae Variant Classification Sherloc (09022015). Collection method: clinical testing. Allele origin: germline.